The following is an entry in ClinVar:

ClinVar aggregate classification (germline): Benign (1 of 4 stars; one submission).

Conditions:
Autosomal recessive osteopetrosis 5. Identifiers: Orphanet 85179, MedGen C1968603, MONDO:0009817, OMIM 259720.

Allele frequency attached by ClinVar (database versions not stated): 1000 Genomes Project 0.01917; 1000 Genomes Project 30x 0.02014; gnomAD 0.02057 and 0.02226; TOPMed 0.02342.

Submission:

Illumina Laboratory Services, Illumina
Classification: Benign for Autosomal recessive osteopetrosis 5. Last evaluated: 2018-01-13. Review status: criteria provided, single submitter. Criteria: ICSL Variant Classification Criteria 13 December 2019. Collection method: clinical testing. Allele origin: germline.
Comment: This variant was observed in the ICSL laboratory as part of a predisposition screen in an ostensibly healthy population. It had not been previously curated by ICSL or reported in the Human Gene Mutation Database (HGMD: prior to June 1st, 2018), and was therefore a candidate for classification through an automated scoring system. Utilizing variant allele frequency, disease prevalence and penetrance estimates, and inheritance mode, an automated score was calculated to assess if this variant is too frequent to cause the disease. Based on the score and internal cut-off values, a variant classified as benign is not then subjected to further curation. The score for this variant resulted in a classification of benign for this disease.

NM_014028.4(OSTM1):c.*3329A>G

Gene: OSTM1 (osteoclastogenesis associated transmembrane protein 1; minus strand). Cytogenetic location: 6q21.
Variant type: single nucleotide variant.
Coding change: c.*3329A>G on transcript NM_014028.4 (MANE Select); 3329 bases downstream of the stop codon, A replaced by G.
Molecular consequence: 3 prime UTR variant.
Genome position (GRCh38, 1-based): chr6:108,041,456, T>C on the plus strand (A>G on the coding strand, the complement: OSTM1 is on the minus strand). VCF-style: chr6-108041456-T-C. GRCh37 (hg19) VCF-style: chr6-108362660-T-C.
Identifiers: ClinVar variation 354926 (VCV000354926.5), dbSNP rs112424495, ClinGen allele CA10622689.